The following is an entry in ClinVar:

NM_003072.5(SMARCA4):c.2442G>A (p.Thr814=)

Gene: SMARCA4 (SWI/SNF related BAF chromatin remodeling complex subunit ATPase 4; plus strand). Cytogenetic location: 19p13.2.
Variant type: single nucleotide variant.
Coding change: c.2442G>A on transcript NM_003072.5 (MANE Select); coding-DNA position 2442, G replaced by A.
Protein change: p.Thr814=; no amino-acid change (threonine 814 retained).
Molecular consequence: synonymous variant. On other transcripts: non-coding transcript variant (1).
Genome position (GRCh38, 1-based): chr19:11,018,960, G>A. VCF-style: chr19-11018960-G-A. GRCh37 (hg19) VCF-style: chr19-11129636-G-A.
Other names: c.2442G>A, p.Thr814= (NM_001128844.3, NM_001128845.2, NM_001128846.2 and 4 more transcripts).
Identifiers: ClinVar variation 743819 (VCV000743819.17), dbSNP rs759603031, ClinGen allele CA9204125.

ClinVar aggregate classification (germline): Benign/Likely benign. Review status: criteria provided, multiple submitters, no conflicts (2 of 4 stars). 4 submissions from 4 submitters: Benign (1); Likely benign (3). Last evaluated 2026-07-13.

Conditions:
SMARCA4-related disorder. Also called: SMARCA4-related condition.
Hereditary cancer-predisposing syndrome. Also called: Hereditary neoplastic syndrome; Neoplastic Syndromes, Hereditary; Tumor predisposition; Hereditary Cancer Syndrome. Identifiers: Orphanet 140162, MedGen C0027672, MeSH D009386, MONDO:0015356.
Rhabdoid tumor predisposition syndrome 2 (RTPS2). Identifiers: Orphanet 231108, Orphanet 69077, MedGen C2750074, MONDO:0013224, OMIM 613325.

Allele frequency attached by ClinVar (database versions not stated): TOPMed below 0.00001; ExAC 0.00001; gnomAD exomes 0.00002 and 0.00001; gnomAD 0.00001.
gnomAD v4.1: 33 of 1,613,522 alleles (0.002%); highest among the groups gnomAD compares: Non-Finnish European, 0.0027%; no homozygotes.

Submissions (4):

Myriad Genetics, Inc.
Classification: Benign for Rhabdoid tumor predisposition syndrome 2. Last evaluated: 2026-07-13. Review status: criteria provided, single submitter. Criteria: Myriad Autosomal Dominant, Autosomal Recessive and X-Linked Classification Criteria (2023). Collection method: clinical testing. Allele origin: unknown.
Comment: This variant is considered benign. This variant is a silent/synonymous amino acid change and it is not expected to impact splicing.

PreventionGenetics, part of Exact Sciences
Classification: Likely benign for SMARCA4-related condition. Last evaluated: 2025-11-05. Review status: criteria provided, single submitter. Criteria: ACMG Guidelines, 2015. Collection method: clinical testing. Allele origin: germline.
Comment: This variant is classified as likely benign based on ACMG/AMP sequence variant interpretation guidelines (Richards et al. 2015 PMID: 25741868, with internal and published modifications).

Labcorp Genetics (formerly Invitae), Labcorp
Classification: Likely benign for Rhabdoid tumor predisposition syndrome 2. Last evaluated: 2025-03-19. Review status: criteria provided, single submitter. Criteria: Invitae Variant Classification Sherloc (09022015). Collection method: clinical testing. Allele origin: germline.

Ambry Genetics
Classification: Likely benign for Hereditary cancer-predisposing syndrome. Last evaluated: 2019-03-16. Review status: criteria provided, single submitter. Criteria: Ambry Variant Classification Scheme 2023. Collection method: clinical testing. Allele origin: germline.